The following is an entry in ClinVar:

ClinVar aggregate classification (germline): Likely pathogenic. Review status: criteria provided, multiple submitters, no conflicts (2 of 4 stars). 2 submissions from 2 submitters: Likely pathogenic (2). Last evaluated 2021-11-02.

Conditions:
SLC2A1-related disorder. Also called: SLC2A1-related condition; SLC2A1-related disorders.

Submissions (2):

Blueprint Genetics
Classification: Likely pathogenic for SLC2A1-related disorders. Last evaluated: 2021-11-02. Review status: criteria provided, single submitter. Criteria: ACMG Guidelines, 2015. Collection method: clinical testing. Allele origin: germline. Affected: yes. Observed: 2 variant alleles.

GeneDx
Classification: Likely pathogenic. Last evaluated: 2015-11-04. Review status: criteria provided, single submitter. Criteria: GeneDx Variant Classification (06012015). Collection method: clinical testing. Allele origin: germline. Affected: yes.
Comment: The E247D variant has reported previously in an individual with infantile epilepsy and reduced CSF glucose (Pascual et al., 2008). Additionally, the E247D variant was shown to reduce glucose transport in red blood cell (Pascual et al., 2008). It was not observed in approximately 6,500 individuals of European and African American ancestry in the NHLBI Exome Sequencing Project, indicating it is not a common benign variant in these populations. This substitution occurs at a position that is conserved across species, and in silico analysis predicts this variant is probably damaging to the protein structure/function. However, the E247D variant is a conservative amino acid substitution, which is not likely to impact secondary protein structure as these residues share similar properties. Therefore, this variant is likely pathogenic; however, the possibility that it is benign cannot be excluded.

NM_006516.4(SLC2A1):c.741G>C (p.Glu247Asp)

Gene: SLC2A1 (solute carrier family 2 member 1; minus strand). Cytogenetic location: 1p34.2.
Variant type: single nucleotide variant.
Coding change: c.741G>C on transcript NM_006516.4 (MANE Select); coding-DNA position 741, G replaced by C.
Protein change: p.Glu247Asp; replaces glutamic acid 247 with aspartic acid.
Molecular consequence: missense variant.
Genome position (GRCh38, 1-based): chr1:42,929,719, C>G on the plus strand (G>C on the coding strand, the complement: SLC2A1 is on the minus strand). VCF-style: chr1-42929719-C-G. GRCh37 (hg19) VCF-style: chr1-43395390-C-G.
Other names: short protein forms E247D.
Identifiers: ClinVar variation 429797 (VCV000429797.3), dbSNP rs80359821, ClinGen allele CA21251131.